The following is an entry in ClinVar:

NM_001303256.3(MORC2):c.172C>G (p.Leu58Val)

Gene: MORC2 (MORC family CW-type zinc finger 2; minus strand). Cytogenetic location: 22q12.2.
Variant type: single nucleotide variant.
Coding change: c.172C>G on transcript NM_001303256.3 (MANE Select); coding-DNA position 172, C replaced by G.
Protein change: p.Leu58Val; replaces leucine 58 with valine.
Molecular consequence: missense variant. On other transcripts: 5 prime UTR variant (1).
Genome position (GRCh38, 1-based): chr22:30,950,431, G>C on the plus strand (C>G on the coding strand, the complement: MORC2 is on the minus strand). VCF-style: chr22-30950431-G-C. GRCh37 (hg19) VCF-style: chr22-31346417-G-C.
Other names: c.172C>G, p.Leu58Val (NM_001303257.2); c.-15C>G (NM_014941.3); short protein forms L58V.
Identifiers: ClinVar variation 644720 (VCV000644720.7), dbSNP rs760345377, ClinGen allele CA10187356.

ClinVar aggregate classification (germline): Uncertain significance (1 of 4 stars; one submission).

Conditions:
Charcot-Marie-Tooth disease axonal type 2Z. Also called: CHARCOT-MARIE-TOOTH DISEASE, AXONAL, AUTOSOMAL DOMINANT, TYPE 2Z; CHARCOT-MARIE-TOOTH NEUROPATHY, TYPE 2Z. Identifiers: Orphanet 466768, MedGen C5569025, MONDO:0014736, OMIM 616688.

Allele frequency attached by ClinVar (database versions not stated): gnomAD exomes below 0.00001; ExAC 0.00001.
gnomAD v4.1: 2 of 1,565,718 alleles (0.00013%); highest among the groups gnomAD compares: Non-Finnish European, 0.00017%; no homozygotes.

Submission:

Labcorp Genetics (formerly Invitae), Labcorp
Classification: Uncertain significance for Charcot-Marie-Tooth disease axonal type 2Z. Last evaluated: 2025-03-30. Review status: criteria provided, single submitter. Criteria: Invitae Variant Classification Sherloc (09022015). Collection method: clinical testing. Allele origin: germline.
Comment: This sequence change replaces leucine, which is neutral and non-polar, with valine, which is neutral and non-polar, at codon 58 of the MORC2 protein (p.Leu58Val). This variant is present in population databases (rs760345377, gnomAD 0.0009%). This variant has not been reported in the literature in individuals affected with MORC2-related conditions. ClinVar contains an entry for this variant (Variation ID: 644720). Invitae Evidence Modeling of protein sequence and biophysical properties (such as structural, functional, and spatial information, amino acid conservation, physicochemical variation, residue mobility, and thermodynamic stability) has been performed for this missense variant. However, the output from this modeling did not meet the statistical confidence thresholds required to predict the impact of this variant on MORC2 protein function. In summary, the available evidence is currently insufficient to determine the role of this variant in disease. Therefore, it has been classified as a Variant of Uncertain Significance.